The following is an entry in ClinVar:

ClinVar aggregate classification (germline): Pathogenic (1 of 4 stars; one submission).

Submission:

Labcorp Genetics (formerly Invitae), Labcorp
Classification: Pathogenic. Last evaluated: 2024-01-12. Review status: criteria provided, single submitter. Criteria: Invitae Variant Classification Sherloc (09022015). Collection method: clinical testing. Allele origin: germline.
Comment: This sequence change creates a premature translational stop signal (p.Arg82Glyfs*27) in the TULP1 gene. It is expected to result in an absent or disrupted protein product. Loss-of-function variants in TULP1 are known to be pathogenic (PMID: 8606774, 10549638, 15024725, 18055821). This variant is not present in population databases (gnomAD no frequency). This variant has not been reported in the literature in individuals affected with TULP1-related conditions. For these reasons, this variant has been classified as Pathogenic.

Literature cited by the submitters: PubMed 8606774; PubMed 10549638; PubMed 15024725; PubMed 18055821.

NM_003322.6(TULP1):c.244del (p.Arg82fs)

Gene: TULP1 (TUB like protein 1; minus strand). Cytogenetic location: 6p21.31.
Variant type: Deletion.
Coding change: c.244del on transcript NM_003322.6 (MANE Select); coding-DNA position 244, one base deleted (C; older notation c.244delC).
Protein change: p.Arg82fs; shifts the reading frame from arginine 82.
Molecular consequence: frameshift variant. On other transcripts: intron variant (1).
Genome position (GRCh38, 1-based): chr6:35,511,753, G deleted on the plus strand (C on the coding strand, the reverse complement: TULP1 is on the minus strand); the first of 3 consecutive G bases (chr6:35,511,753-35,511,755); deleting any one gives the same sequence. VCF-style (leftmost placement, unchanged base first): chr6-35511752-CG-C. GRCh37 (hg19) VCF-style: chr6-35479529-CG-C.
Other names: c.190+427del (NM_001289395.2); short protein forms R82fs.
Identifiers: ClinVar variation 2786975 (VCV002786975.3), dbSNP rs2533809296, ClinGen allele CA2678414977.